The following is an entry in ClinVar:

NM_000426.4(LAMA2):c.9139_9145dup (p.Gln3049fs)

Gene: LAMA2 (laminin subunit alpha 2; plus strand). Cytogenetic location: 6q22.33.
Variant type: Duplication.
Coding change: c.9139_9145dup on transcript NM_000426.4 (MANE Select); coding-DNA positions 9139 to 9145, 7 bases duplicated (GAAGCCC; older notation c.9139_9145dupGAAGCCC).
Protein change: p.Gln3049fs; shifts the reading frame from glutamine 3049.
Molecular consequence: frameshift variant.
Genome position (GRCh38, 1-based): chr6:129,514,523-129,514,529, GAAGCCC duplicated. VCF-style (leftmost placement, unchanged base first): chr6-129514522-G-GGAAGCCC. GRCh37 (hg19) VCF-style: chr6-129835667-G-GGAAGCCC.
Other names: c.9127_9133dup, p.Gln3045fs (NM_001079823.2); short protein forms Q3045fs, Q3049fs.
Identifiers: ClinVar variation 1986245 (VCV001986245.4), dbSNP rs2533599564, ClinGen allele CA2580074994.

ClinVar aggregate classification (germline): Pathogenic (1 of 4 stars; one submission).

Conditions:
LAMA2-related muscular dystrophy (LAMA2-RD). Also called: Laminin alpha 2-related dystrophy. Identifiers: MedGen C5679788, MONDO:0100228.

Submission:

Labcorp Genetics (formerly Invitae), Labcorp
Classification: Pathogenic for LAMA2-related muscular dystrophy. Last evaluated: 2022-10-05. Review status: criteria provided, single submitter. Criteria: Invitae Variant Classification Sherloc (09022015). Collection method: clinical testing. Allele origin: germline.
Comment: This sequence change creates a premature translational stop signal (p.Gln3049Argfs*13) in the LAMA2 gene. While this is not anticipated to result in nonsense mediated decay, it is expected to disrupt the last 74 amino acid(s) of the LAMA2 protein. This variant is not present in population databases (gnomAD no frequency). This variant has not been reported in the literature in individuals affected with LAMA2-related conditions. This variant disrupts a region of the LAMA2 protein in which other variant(s) (p.Thr3080Asnfs*26) have been determined to be pathogenic (PMID: 20207543; Invitae). This suggests that this is a clinically significant region of the protein, and that variants that disrupt it are likely to be disease-causing. For these reasons, this variant has been classified as Pathogenic.

Literature cited by the submitters: PubMed 20207543.